The following is an entry in ClinVar:

ClinVar aggregate classification (germline): Uncertain significance (1 of 4 stars; one submission).

Conditions:
Developmental and epileptic encephalopathy, 11 (DEE11). Also called: Early infantile epileptic encephalopathy 11. Identifiers: Orphanet 1934, MedGen C3150987, MONDO:0013388, OMIM 613721.
Seizures, benign familial infantile, 3 (BFIS3). Also called: Familial neonatal seizures; CONVULSIONS, BENIGN FAMILIAL INFANTILE, 3. Identifiers: Orphanet 140927, Orphanet 306, MedGen C1843140, MONDO:0011904, OMIM 607745.

Submission:

Labcorp Genetics (formerly Invitae), Labcorp
Classification: Uncertain significance for Seizures, benign familial infantile, 3; Developmental and epileptic encephalopathy, 11. Last evaluated: 2019-05-14. Review status: criteria provided, single submitter. Criteria: Invitae Variant Classification Sherloc (09022015). Collection method: clinical testing. Allele origin: germline.
Comment: Algorithms developed to predict the effect of missense changes on protein structure and function (SIFT, PolyPhen-2, Align-GVGD) all suggest that this variant is likely to be disruptive, but these predictions have not been confirmed by published functional studies and their clinical significance is uncertain. In summary, the available evidence is currently insufficient to determine the role of this variant in disease. Therefore, it has been classified as a Variant of Uncertain Significance. This variant has not been reported in the literature in individuals with SCN2A-related conditions. This variant is not present in population databases (ExAC no frequency). This sequence change replaces valine with aspartic acid at codon 1781 of the SCN2A protein (p.Val1781Asp). The valine residue is highly conserved and there is a large physicochemical difference between valine and aspartic acid.

NM_001040142.2(SCN2A):c.5342T>A (p.Val1781Asp)

Gene: SCN2A (sodium voltage-gated channel alpha subunit 2; plus strand). Cytogenetic location: 2q24.3.
Variant type: single nucleotide variant.
Coding change: c.5342T>A on transcript NM_001040142.2 (MANE Select); coding-DNA position 5342, T replaced by A.
Protein change: p.Val1781Asp; replaces valine 1781 with aspartic acid.
Molecular consequence: missense variant.
Genome position (GRCh38, 1-based): chr2:165,389,148, T>A. VCF-style: chr2-165389148-T-A. GRCh37 (hg19) VCF-style: chr2-166245658-T-A.
Other names: c.5342T>A, p.Val1781Asp (NM_001040143.2, NM_001371246.1, NM_001371247.1 and 1 more transcripts); short protein forms V1781D.
Identifiers: ClinVar variation 934576 (VCV000934576.10), dbSNP rs1702025029, ClinGen allele CA349038756.
Genomic context (GRCh38, chr2:165,389,148, plus strand): 5'-TCATATCCTTCCTGGTTGTGGTGAACATGTACATCGCGGTCATCCTGGAGAACTTCAGTG[T>A]TGCTACTGAAGAAAGTGCAGAGCCTCTGAGTGAGGATGACTTTGAGATGTTCTATGAGGT-3'
Protein context (NP_001035232.1, residues 1771-1791): YIAVILENFS[Val1781Asp]ATEESAEPLS